The following is an entry in ClinVar:

ClinVar aggregate classification (germline): Pathogenic/Likely pathogenic. Review status: criteria provided, multiple submitters, no conflicts (2 of 4 stars). 6 submissions from 6 submitters: Pathogenic (3); Likely pathogenic (1). 2 of the submissions do not count toward it. Last evaluated 2026-01-17.

Conditions:
Neurodevelopmental delay. Identifiers: MedGen C4022738, HP:0012758.
Congenital disorder of deglycosylation (CDDG). Identifiers: MedGen C3808991, MONDO:0031376.

Allele frequency attached by ClinVar (database versions not stated): gnomAD 0.00001 and 0.00002; TOPMed 0.00002; 1000 Genomes Project 30x 0.00016; 1000 Genomes Project 0.00020.
gnomAD v4.1: 28 of 1,613,958 alleles (0.0017%); highest among the groups gnomAD compares: Admixed American, 0.0067%; no homozygotes.

Submissions (6):

Labcorp Genetics (formerly Invitae), Labcorp
Classification: Pathogenic for Congenital disorder of deglycosylation. Last evaluated: 2026-01-17. Review status: criteria provided, single submitter. Criteria: Invitae Variant Classification Sherloc (09022015). Collection method: clinical testing. Allele origin: germline.
Comment: This sequence change replaces glutamic acid, which is acidic and polar, with lysine, which is basic and polar, at codon 311 of the NGLY1 protein (p.Glu311Lys). This variant is present in population databases (rs201791209, gnomAD 0.01%). This missense change has been observed in individual(s) with NGLY1-related conditions (PMID: 27388694, 28807864, 34712575). In at least one individual the data is consistent with being in trans (on the opposite chromosome) from a pathogenic variant. ClinVar contains an entry for this variant (Variation ID: 221576). Invitae Evidence Modeling of protein sequence and biophysical properties (such as structural, functional, and spatial information, amino acid conservation, physicochemical variation, residue mobility, and thermodynamic stability) indicates that this missense variant is expected to disrupt NGLY1 protein function with a positive predictive value of 80%. Experimental studies have shown that this missense change affects NGLY1 function (PMID: 25900930). For these reasons, this variant has been classified as Pathogenic.

Women's Health and Genetics/Laboratory Corporation of America, LabCorp
Classification: Likely pathogenic for Congenital disorder of deglycosylation. Last evaluated: 2025-06-02. Review status: criteria provided, single submitter. Criteria: LabCorp Variant Classification Summary - May 2015. Collection method: clinical testing. Allele origin: germline.
Comment: Variant summary: NGLY1 c.931G>A (p.Glu311Lys) results in a conservative amino acid change located in the Transglutaminase-like domain (IPR002931) of the encoded protein sequence. Algorithms developed to predict the effect of missense changes on protein structure and function are either unavailable or do not agree on the potential impact of this missense change. The variant allele was found at a frequency of 2.8e-05 in 251102 control chromosomes (gnomAD). c.931G>A has been reported in the literature in individuals affected with Congenital Disorder Of Deglycosylation (e.g., He_2015, Delanne_2021, Stanclift_2022). These data indicate that the variant may be associated with disease. At least one publication reports experimental evidence evaluating an impact on protein function (e.g., Yuan_2024). The most pronounced variant effect resulted in 8.18% of activity compared to wild-type control after 1 hour in an enzyme activity assay. The following publications have been ascertained in the context of this evaluation (PMID: 34712575, 25900930, 27388694, 35243670, 36528660, 38628705). ClinVar contains an entry for this variant (Variation ID: 221576). Based on the evidence outlined above, the variant was classified as likely pathogenic.

GeneDx
Classification: Pathogenic. Last evaluated: 2024-08-14. Review status: criteria provided, single submitter. Criteria: GeneDx Variant Classification Process June 2021. Collection method: clinical testing. Allele origin: germline. Affected: yes.
Comment: Published functional studies found this variant is associated with significantly reduced NGLY1 enzyme activity (PMID: 38628705); Not observed at significant frequency in large population cohorts (gnomAD); In silico analysis supports that this missense variant has a deleterious effect on protein structure/function; This variant is associated with the following publications: (PMID: 25900930, 34712575, 27388694, 28807864, 32071843, 35565658, 32395402, 38628705, 36528660, 28750948)

Centre de Biologie Pathologie Génétique, Centre Hospitalier Universitaire de Lille
Classification: Pathogenic for Neurodevelopmental delay. Review status: criteria provided, single submitter. Criteria: ACMG Guidelines, 2015. Collection method: clinical testing. Allele origin: inherited. Affected: yes.

Medical Biochemical Genetics, National Human Genome institute, NIH, National Institutes of Health
Classification: Pathogenic for NGLY1-CDDG. Last evaluated: 2016-01-07. Review status: no assertion criteria provided. Collection method: clinical testing. Allele origin: inherited. Affected: yes. Observed: 1 variant allele. Not counted in ClinVar's aggregate classification.

Equipe Genetique des Anomalies du Developpement, Université de Bourgogne
Classification: Likely pathogenic for Congenital disorder of deglycosylation 1. Review status: no assertion criteria provided. Collection method: clinical testing. Allele origin: inherited. Affected: yes. Not counted in ClinVar's aggregate classification.

Literature cited by the submitters: PubMed 27388694 (cited by 3 submitters); PubMed 28807864 (cited by Labcorp Genetics (formerly Invitae), Labcorp); PubMed 34712575 (cited by Labcorp Genetics (formerly Invitae), Labcorp and Women's Health and Genetics/Laboratory Corporation of America, LabCorp); PubMed 25900930 (cited by 3 submitters); PubMed 35243670 (cited by Women's Health and Genetics/Laboratory Corporation of America, LabCorp); PubMed 36528660 (cited by Women's Health and Genetics/Laboratory Corporation of America, LabCorp); PubMed 38628705 (cited by Women's Health and Genetics/Laboratory Corporation of America, LabCorp).

NM_018297.4(NGLY1):c.931G>A (p.Glu311Lys)

Gene: NGLY1 (N-glycanase 1; minus strand). Cytogenetic location: 3p24.2.
Variant type: single nucleotide variant.
Coding change: c.931G>A on transcript NM_018297.4 (MANE Select); coding-DNA position 931, G replaced by A.
Protein change: p.Glu311Lys; replaces glutamic acid 311 with lysine.
Molecular consequence: missense variant.
Genome position (GRCh38, 1-based): chr3:25,737,406, C>T on the plus strand (G>A on the coding strand, the complement: NGLY1 is on the minus strand). VCF-style: chr3-25737406-C-T. GRCh37 (hg19) VCF-style: chr3-25778897-C-T.
Other names: c.931G>A, p.Glu311Lys (NM_001145293.2, NM_001145295.2); c.805G>A, p.Glu269Lys (NM_001145294.2); short protein forms E269K, E311K.
Identifiers: ClinVar variation 221576 (VCV000221576.14), dbSNP rs201791209, ClinGen allele CA2289336.
Genomic context (GRCh38, chr3:25,737,406, plus strand): 5'-AAACATAGCGAGCTTCAAACCCTACAGCTCGGCAGCACAGTGTAAAACAATTGGCCCACT[C>T]GCCACACCGTCCACATCTTGTTTCCAAAAGTTTCTCAGGGTTATTATATCTGGTTTAAAA-3'
Protein context (NP_060767.2, residues 301-321): LLETRCGRCG[Glu311Lys]WANCFTLCCR